The following is an entry in ClinVar:

ClinVar aggregate classification (germline): Uncertain significance (1 of 4 stars; one submission).

Allele frequency attached by ClinVar (database versions not stated): ExAC 0.00001; gnomAD 0.00001; gnomAD exomes 0.00001.
gnomAD v4.1: 14 of 1,614,068 alleles (0.00087%); highest among the groups gnomAD compares: Non-Finnish European, 0.0012%; no homozygotes.

Submission:

CeGaT Center for Human Genetics Tuebingen
Classification: Uncertain significance. Last evaluated: 2022-05-01. Review status: criteria provided, single submitter. Criteria: CeGaT Center For Human Genetics Tuebingen Variant Classification Criteria Version 2. Collection method: clinical testing. Allele origin: germline. Affected: yes. Observed: 1 variant allele.
Comment: SERPINA1: PM2, PM3

NM_000295.5(SERPINA1):c.1049C>T (p.Pro350Leu)

Gene: SERPINA1 (serpin family A member 1; minus strand). Cytogenetic location: 14q32.13.
Variant type: single nucleotide variant.
Coding change: c.1049C>T on transcript NM_000295.5 (MANE Select); coding-DNA position 1049, C replaced by T.
Protein change: p.Pro350Leu; replaces proline 350 with leucine.
Molecular consequence: missense variant.
Genome position (GRCh38, 1-based): chr14:94,379,480, G>A on the plus strand (C>T on the coding strand, the complement: SERPINA1 is on the minus strand). VCF-style: chr14-94379480-G-A. GRCh37 (hg19) VCF-style: chr14-94845817-G-A.
Other names: c.1049C>T, p.Pro350Leu (NM_001002235.3, NM_001002236.3, NM_001127700.2 and 7 more transcripts); short protein forms P350L.
Identifiers: ClinVar variation 1694727 (VCV001694727.31), dbSNP rs770030839, ClinGen allele CA7327326.